The following is an entry in ClinVar:

ClinVar aggregate classification (germline): Benign (1 of 4 stars; one submission).

Allele frequency attached by ClinVar (database versions not stated): 1000 Genomes Project 30x 0.86524; 1000 Genomes Project 0.86681; TOPMed 0.88749; gnomAD 0.89707; ESP Exome Variant Server 0.90252; ExAC 0.91411; gnomAD exomes 0.92962.
gnomAD v4.1: 1,369,485 of 1,479,054 alleles (93%); highest among the groups gnomAD compares: Non-Finnish European, 94%; 635,207 homozygotes.

Submission:

Unidad de Genómica Garrahan, Hospital de Pediatría Garrahan
Classification: Benign. Last evaluated: 2024-01-24. Review status: criteria provided, single submitter. Criteria: ACMG Guidelines, 2015. Collection method: clinical testing. Allele origin: germline. Affected: no. Observed: 94 variant alleles.
Comment: This variant is classified as Benign based on local population frequency. This variant was detected in 99% of patients studied by a panel of primary immunodeficiencies. Number of patients: 94. Only high quality variants are reported.

NM_015122.3(FCHO1):c.920+49C>T

Gene: FCHO1 (FCH and mu domain containing endocytic adaptor 1; plus strand). Cytogenetic location: 19p13.11.
Variant type: single nucleotide variant.
Coding change: c.920+49C>T on transcript NM_015122.3 (MANE Select); 49 bases into the intron after coding-DNA position 920, C replaced by T.
Molecular consequence: intron variant.
Genome position (GRCh38, 1-based): chr19:17,774,527, C>T. VCF-style: chr19-17774527-C-T. GRCh37 (hg19) VCF-style: chr19-17885336-C-T.
Other names: c.920+49C>T (NM_001384370.1, NM_001384396.1, NM_001384404.1 and 25 more transcripts); c.845+49C>T (NM_001384390.1); c.770+49C>T (NM_001384406.1, NM_001384407.1, NM_001384384.1 and 3 more transcripts); c.875+49C>T (NM_001384403.1); c.881+49C>T (NM_001384388.1, NM_001384405.1, NM_001384389.1).
Identifiers: ClinVar variation 2688147 (VCV002688147.2), dbSNP rs2287856, ClinGen allele CA9300299.